The following is an entry in ClinVar:

ClinVar aggregate classification (germline): Conflicting classifications of pathogenicity. Review status: criteria provided, conflicting classifications (1 of 4 stars). 3 submissions from 3 submitters: Uncertain significance (2); Likely benign (1). Last evaluated 2026-06-02.

Conditions:
Inborn genetic diseases. Identifiers: MedGen C0950123, MeSH D030342.
Biotinidase deficiency. Also called: BTD deficiency; Late-onset biotin-responsive multiple carboxylase deficiency; Biotin deficiency. Identifiers: Orphanet 79241, MedGen C0220754, MONDO:0009665, OMIM 253260.

Allele frequency attached by ClinVar (database versions not stated): TOPMed 0.00003; gnomAD 0.00004; 1000 Genomes Project 30x 0.00016; 1000 Genomes Project 0.00020; ExAC 0.00004.
gnomAD v4.1: 51 of 1,614,056 alleles (0.0032%); highest among the groups gnomAD compares: East Asian, 0.0045%; no homozygotes.

Submissions (3):

Ambry Genetics
Classification: Likely benign for Inborn genetic diseases. Last evaluated: 2026-06-02. Review status: criteria provided, single submitter. Criteria: Ambry Variant Classification Scheme 2023. Collection method: clinical testing. Allele origin: germline.

Labcorp Genetics (formerly Invitae), Labcorp
Classification: Uncertain significance for Biotinidase deficiency. Last evaluated: 2024-01-02. Review status: criteria provided, single submitter. Criteria: Invitae Variant Classification Sherloc (09022015). Collection method: clinical testing. Allele origin: germline.
Comment: This sequence change replaces threonine, which is neutral and polar, with methionine, which is neutral and non-polar, at codon 354 of the BTD protein (p.Thr354Met). This variant is present in population databases (rs535651486, gnomAD 0.007%). This variant has not been reported in the literature in individuals affected with BTD-related conditions. ClinVar contains an entry for this variant (Variation ID: 2230099). Algorithms developed to predict the effect of missense changes on protein structure and function output the following: SIFT: "Not Available"; PolyPhen-2: "Benign"; Align-GVGD: "Not Available". The methionine amino acid residue is found in multiple mammalian species, which suggests that this missense change does not adversely affect protein function. In summary, the available evidence is currently insufficient to determine the role of this variant in disease. Therefore, it has been classified as a Variant of Uncertain Significance.

Breakthrough Genomics
Classification: Uncertain significance. Review status: criteria provided, single submitter. Criteria: ACMG Guidelines, 2015. Collection method: not provided. Allele origin: germline. Inheritance: Autosomal recessive inheritance. Affected: yes.

Literature cited by the submitters: PubMed 36413997 (cited by Ambry Genetics).

NM_001370658.1(BTD):c.1001C>T (p.Thr334Met)

Gene: BTD (biotinidase; plus strand). Cytogenetic location: 3p25.1.
Variant type: single nucleotide variant.
Coding change: c.1001C>T on transcript NM_001370658.1 (MANE Select); coding-DNA position 1001, C replaced by T.
Protein change: p.Thr334Met; replaces threonine 334 with methionine.
Molecular consequence: missense variant. On other transcripts: intron variant (6).
Genome position (GRCh38, 1-based): chr3:15,644,917, C>T. VCF-style: chr3-15644917-C-T. GRCh37 (hg19) VCF-style: chr3-15686424-C-T.
Other names: c.1061C>T (NM_000060.2); c.1001C>T, p.Thr334Met (NM_001281723.4, NM_001281724.3, NM_001281725.3 and 18 more transcripts); c.399+2860C>T (NM_001370753.1, NM_001407400.1, NM_001407380.1 and 3 more transcripts); short protein forms T334M.
Identifiers: ClinVar variation 2230099 (VCV002230099.5), dbSNP rs535651486, ClinGen allele CA2277414.